The following is an entry in ClinVar:

ClinVar aggregate classification (germline): Uncertain significance. Review status: criteria provided, multiple submitters, no conflicts (2 of 4 stars). 2 submissions from 2 submitters: Uncertain significance (2). Last evaluated 2023-10-01.

Conditions:
Retinal dystrophy. Also called: Inherited retinal dystrophy. Identifiers: Orphanet 71862, MedGen C0854723, MeSH D058499, MONDO:0019118, HP:0000556.

gnomAD v4.1: 15 of 1,614,160 alleles (0.00093%); highest among the groups gnomAD compares: African/African-American, 0.0013%; no homozygotes.

Submissions (2):

Dept Of Ophthalmology, Nagoya University
Classification: Uncertain significance for Retinal dystrophy. Last evaluated: 2023-10-01. Review status: criteria provided, single submitter. Criteria: Submitter's publication. Collection method: research. Allele origin: germline. Affected: yes.

Labcorp Genetics (formerly Invitae), Labcorp
Classification: Uncertain significance. Last evaluated: 2022-09-14. Review status: criteria provided, single submitter. Criteria: Invitae Variant Classification Sherloc (09022015). Collection method: clinical testing. Allele origin: germline.
Comment: Algorithms developed to predict the effect of sequence changes on RNA splicing suggest that this variant may create or strengthen a splice site. This sequence change replaces valine, which is neutral and non-polar, with methionine, which is neutral and non-polar, at codon 1452 of the SNRNP200 protein (p.Val1452Met). This variant is not present in population databases (gnomAD no frequency). This variant has not been reported in the literature in individuals affected with SNRNP200-related conditions. ClinVar contains an entry for this variant (Variation ID: 1408821). Advanced modeling of protein sequence and biophysical properties (such as structural, functional, and spatial information, amino acid conservation, physicochemical variation, residue mobility, and thermodynamic stability) performed at Invitae indicates that this missense variant is not expected to disrupt SNRNP200 protein function. In summary, the available evidence is currently insufficient to determine the role of this variant in disease. Therefore, it has been classified as a Variant of Uncertain Significance.

NM_014014.5(SNRNP200):c.4354G>A (p.Val1452Met)

Gene: SNRNP200 (small nuclear ribonucleoprotein U5 subunit 200; minus strand). Cytogenetic location: 2q11.2.
Variant type: single nucleotide variant.
Coding change: c.4354G>A on transcript NM_014014.5 (MANE Select); coding-DNA position 4354, G replaced by A.
Protein change: p.Val1452Met; replaces valine 1452 with methionine.
Molecular consequence: missense variant.
Genome position (GRCh38, 1-based): chr2:96,284,396, C>T on the plus strand (G>A on the coding strand, the complement: SNRNP200 is on the minus strand). VCF-style: chr2-96284396-C-T. GRCh37 (hg19) VCF-style: chr2-96950134-C-T.
Other names: short protein forms V1452M.
Identifiers: ClinVar variation 1408821 (VCV001408821.7), dbSNP rs2063829024, ClinGen allele CA347667323.
Genomic context (GRCh38, chr2:96,284,396, plus strand): 5'-GTGCTGCAAGGTCACGCCATACCCCATTCTCGCCCCCGATAAGGTGGACCTCATCCACCA[C>T]GAAGAGGTTGATGTTCTGCACGTTCTTGCGCTGCTTCCATCGCCGGGAAAGTATGTCCCA-3'
Protein context (NP_054733.2, residues 1442-1462): RKNVQNINLF[Val1452Met]VDEVHLIGGE